The following is an entry in ClinVar:

ClinVar aggregate classification (germline): Uncertain significance (1 of 4 stars; one submission).

Conditions:
Brugada syndrome 7 (BRGDA7). Identifiers: Orphanet 130, MedGen C2751088, MONDO:0013146, OMIM 613120.

Submission:

Labcorp Genetics (formerly Invitae), Labcorp
Classification: Uncertain significance for Brugada syndrome 7. Last evaluated: 2024-05-08. Review status: criteria provided, single submitter. Criteria: Invitae Variant Classification Sherloc (09022015). Collection method: clinical testing. Allele origin: germline.
Comment: This sequence change replaces threonine, which is neutral and polar, with serine, which is neutral and polar, at codon 111 of the SCN3B protein (p.Thr111Ser). This variant is not present in population databases (gnomAD no frequency). This variant has not been reported in the literature in individuals affected with SCN3B-related conditions. An algorithm developed to predict the effect of missense changes on protein structure and function (PolyPhen-2) suggests that this variant is likely to be tolerated. In summary, the available evidence is currently insufficient to determine the role of this variant in disease. Therefore, it has been classified as a Variant of Uncertain Significance.

NM_001040151.2(SCN3B):c.331A>T (p.Thr111Ser)

Gene: SCN3B (sodium voltage-gated channel beta subunit 3; minus strand). Cytogenetic location: 11q24.1.
Variant type: single nucleotide variant.
Coding change: c.331A>T on transcript NM_001040151.2 (MANE Select); coding-DNA position 331, A replaced by T.
Protein change: p.Thr111Ser; replaces threonine 111 with serine.
Molecular consequence: missense variant.
Genome position (GRCh38, 1-based): chr11:123,642,560, T>A on the plus strand (A>T on the coding strand, the complement: SCN3B is on the minus strand). VCF-style: chr11-123642560-T-A. GRCh37 (hg19) VCF-style: chr11-123513268-T-A.
Other names: c.331A>T, p.Thr111Ser (NM_018400.4); short protein forms T111S.
Identifiers: ClinVar variation 3652670 (VCV003652670.2).
Genomic context (GRCh38, chr11:123,642,560, plus strand): 5'-GCGCCTCAAACTCAAACTCCCGGGACACATTGCAGGTGTAGAGGCCAGAGTCGTTCAGAG[T>A]GACGTTGAGCACAGTGATGGACACGTCCTGCAGGTCCTTGCTGCCATTCCACTGCAGGCG-3'
Protein context (NP_001035241.1, residues 101-121): QDVSITVLNV[Thr111Ser]LNDSGLYTCN